The following is an entry in ClinVar:

NM_000428.3(LTBP2):c.2417C>T (p.Ala806Val)

Gene: LTBP2 (latent transforming growth factor beta binding protein 2; minus strand). Cytogenetic location: 14q24.3.
Variant type: single nucleotide variant.
Coding change: c.2417C>T on transcript NM_000428.3 (MANE Select); coding-DNA position 2417, C replaced by T.
Protein change: p.Ala806Val; replaces alanine 806 with valine.
Molecular consequence: missense variant.
Genome position (GRCh38, 1-based): chr14:74,526,086, G>A on the plus strand (C>T on the coding strand, the complement: LTBP2 is on the minus strand). VCF-style: chr14-74526086-G-A. GRCh37 (hg19) VCF-style: chr14-74992789-G-A.
Other names: short protein forms A806V.
Identifiers: ClinVar variation 1370358 (VCV001370358.8), dbSNP rs2139715439, ClinGen allele CA390393068.

ClinVar aggregate classification (germline): Uncertain significance (1 of 4 stars; one submission).

Allele frequency attached by ClinVar (database versions not stated): gnomAD exomes below 0.00001.
gnomAD v4.1: 1 of 1,605,824 alleles (0.000062%); highest among the groups gnomAD compares: African/African-American, 0.0013%; no homozygotes.

Submission:

Labcorp Genetics (formerly Invitae), Labcorp
Classification: Uncertain significance. Last evaluated: 2024-01-02. Review status: criteria provided, single submitter. Criteria: Invitae Variant Classification Sherloc (09022015). Collection method: clinical testing. Allele origin: germline.
Comment: This sequence change replaces alanine, which is neutral and non-polar, with valine, which is neutral and non-polar, at codon 806 of the LTBP2 protein (p.Ala806Val). This variant is not present in population databases (gnomAD no frequency). This variant has not been reported in the literature in individuals affected with LTBP2-related conditions. ClinVar contains an entry for this variant (Variation ID: 1370358). An algorithm developed to predict the effect of missense changes on protein structure and function (PolyPhen-2) suggests that this variant is likely to be tolerated. In summary, the available evidence is currently insufficient to determine the role of this variant in disease. Therefore, it has been classified as a Variant of Uncertain Significance.